The following is an entry in ClinVar:

ClinVar aggregate classification (germline): Uncertain significance (1 of 4 stars; one submission).

gnomAD v4.1: 1 of 1,607,010 alleles (0.000062%); highest among the groups gnomAD compares: Non-Finnish European, 0.000085%; no homozygotes.

Submission:

Labcorp Genetics (formerly Invitae), Labcorp
Classification: Uncertain significance. Last evaluated: 2023-11-28. Review status: criteria provided, single submitter. Criteria: Invitae Variant Classification Sherloc (09022015). Collection method: clinical testing. Allele origin: germline.
Comment: This sequence change replaces glutamic acid, which is acidic and polar, with aspartic acid, which is acidic and polar, at codon 730 of the AP3D1 protein (p.Glu730Asp). This variant is not present in population databases (gnomAD no frequency). This variant has not been reported in the literature in individuals affected with AP3D1-related conditions. An algorithm developed to predict the effect of missense changes on protein structure and function (PolyPhen-2) suggests that this variant is likely to be tolerated. In summary, the available evidence is currently insufficient to determine the role of this variant in disease. Therefore, it has been classified as a Variant of Uncertain Significance.

NM_001261826.3(AP3D1):c.2190G>T (p.Glu730Asp)

Gene: AP3D1 (adaptor related protein complex 3 subunit delta 1; minus strand). Cytogenetic location: 19p13.3.
Variant type: single nucleotide variant.
Coding change: c.2190G>T on transcript NM_001261826.3 (MANE Select); coding-DNA position 2190, G replaced by T.
Protein change: p.Glu730Asp; replaces glutamic acid 730 with aspartic acid.
Molecular consequence: missense variant.
Genome position (GRCh38, 1-based): chr19:2,115,378, C>A on the plus strand (G>T on the coding strand, the complement: AP3D1 is on the minus strand). VCF-style: chr19-2115378-C-A. GRCh37 (hg19) VCF-style: chr19-2115377-C-A.
Other names: c.2190G>T, p.Glu730Asp (NM_001374799.1, NM_003938.8); short protein forms E730D.
Identifiers: ClinVar variation 2699569 (VCV002699569.3), dbSNP rs371880675, ClinGen allele CA403213679.